The following is an entry in ClinVar:

NM_005629.4(SLC6A8):c.787T>C (p.Phe263Leu)

Gene: SLC6A8 (solute carrier family 6 member 8; plus strand). Cytogenetic location: Xq28.
Variant type: single nucleotide variant.
Coding change: c.787T>C on transcript NM_005629.4 (MANE Select); coding-DNA position 787, T replaced by C.
Protein change: p.Phe263Leu; replaces phenylalanine 263 with leucine.
Molecular consequence: missense variant.
Genome position (GRCh38, 1-based): chrX:153,693,050, T>C. VCF-style: chrX-153693050-T-C. GRCh37 (hg19) VCF-style: chrX-152958505-T-C.
Other names: c.787T>C, p.Phe263Leu (NM_001142805.2); c.442T>C, p.Phe148Leu (NM_001142806.1); short protein forms F263L, F148L.
Identifiers: ClinVar variation 2857015 (VCV002857015.3), dbSNP rs2522161817, ClinGen allele CA415083189.

ClinVar aggregate classification (germline): Uncertain significance (1 of 4 stars; one submission).

Conditions:
Creatine transporter deficiency (CCDS1). Also called: CEREBRAL CREATINE DEFICIENCY SYNDROME 1; Creatine Transporter (CRTR) Deficiency; Mental retardation , X-linked with seizures, short stature and midface hypoplasia; Mental retardation , X-linked, with creatine transport deficiency; X-linked creatine transporter deficiency; X-linked creatine deficiency syndrome. Identifiers: Orphanet 52503, MedGen C1845862, MONDO:0010305, OMIM 300352.

Submission:

Labcorp Genetics (formerly Invitae), Labcorp
Classification: Uncertain significance for Creatine transporter deficiency. Last evaluated: 2024-03-04. Review status: criteria provided, single submitter. Criteria: Invitae Variant Classification Sherloc (09022015). Collection method: clinical testing. Allele origin: germline.
Comment: This sequence change replaces phenylalanine, which is neutral and non-polar, with leucine, which is neutral and non-polar, at codon 263 of the SLC6A8 protein (p.Phe263Leu). This variant is not present in population databases (gnomAD no frequency). This variant has not been reported in the literature in individuals affected with SLC6A8-related conditions. Advanced modeling of protein sequence and biophysical properties (such as structural, functional, and spatial information, amino acid conservation, physicochemical variation, residue mobility, and thermodynamic stability) has been performed at Invitae for this missense variant, however the output from this modeling did not meet the statistical confidence thresholds required to predict the impact of this variant on SLC6A8 protein function. In summary, the available evidence is currently insufficient to determine the role of this variant in disease. Therefore, it has been classified as a Variant of Uncertain Significance.